The following is an entry in ClinVar:

NM_020937.4(FANCM):c.5682A>G (p.Ile1894Met)

Gene: FANCM (FA complementation group M; plus strand). Cytogenetic location: 14q21.2.
Variant type: single nucleotide variant.
Coding change: c.5682A>G on transcript NM_020937.4 (MANE Select); coding-DNA position 5682, A replaced by G.
Protein change: p.Ile1894Met; replaces isoleucine 1894 with methionine.
Molecular consequence: missense variant.
Genome position (GRCh38, 1-based): chr14:45,196,513, A>G. VCF-style: chr14-45196513-A-G. GRCh37 (hg19) VCF-style: chr14-45665716-A-G.
Other names: c.5604A>G, p.Ile1868Met (NM_001308133.2); short protein forms I1868M, I1894M.
Identifiers: ClinVar variation 2987342 (VCV002987342.4), dbSNP rs1890068700, ClinGen allele CA389586413.

ClinVar aggregate classification (germline): Uncertain significance. Review status: criteria provided, multiple submitters, no conflicts (2 of 4 stars). 2 submissions from 2 submitters: Uncertain significance (2). Last evaluated 2025-02-06.

Conditions:
Inborn genetic diseases. Identifiers: MedGen C0950123, MeSH D030342.
Fanconi anemia (FA). Also called: Fanconi's anemia. Identifiers: Orphanet 84, MedGen C0015625, MeSH D005199, MONDO:0019391.

Allele frequency attached by ClinVar (database versions not stated): gnomAD exomes below 0.00001; TOPMed below 0.00001.
gnomAD v4.1: 1 of 1,614,094 alleles (0.000062%); highest among the groups gnomAD compares: Admixed American, 0.0017%; no homozygotes.

Submissions (2):

Ambry Genetics
Classification: Uncertain significance for Inborn genetic diseases. Last evaluated: 2025-02-06. Review status: criteria provided, single submitter. Criteria: Ambry Variant Classification Scheme 2023. Collection method: clinical testing. Allele origin: germline.
Comment: The p.I1894M variant (also known as c.5682A>G), located in coding exon 21 of the FANCM gene, results from an A to G substitution at nucleotide position 5682. The isoleucine at codon 1894 is replaced by methionine, an amino acid with highly similar properties. This amino acid position is conserved. In addition, this alteration is predicted to be tolerated by in silico analysis. Based on the available evidence, the clinical significance of this variant remains unclear.

Labcorp Genetics (formerly Invitae), Labcorp
Classification: Uncertain significance for Fanconi anemia. Last evaluated: 2023-11-17. Review status: criteria provided, single submitter. Criteria: Invitae Variant Classification Sherloc (09022015). Collection method: clinical testing. Allele origin: germline.
Comment: This sequence change replaces isoleucine, which is neutral and non-polar, with methionine, which is neutral and non-polar, at codon 1894 of the FANCM protein (p.Ile1894Met). This variant is not present in population databases (gnomAD no frequency). This variant has not been reported in the literature in individuals affected with FANCM-related conditions. An algorithm developed to predict the effect of missense changes on protein structure and function (PolyPhen-2) suggests that this variant is likely to be disruptive. In summary, the available evidence is currently insufficient to determine the role of this variant in disease. Therefore, it has been classified as a Variant of Uncertain Significance.